The following is an entry in ClinVar:

NM_001267550.2(TTN):c.46304+2_46304+5del

Genes: TTN (titin; minus strand), TTN-AS1 (TTN antisense RNA 1; plus strand). Cytogenetic location: 2q31.2.
Variant type: Deletion.
Coding change: c.46304+2_46304+5del on transcript NM_001267550.2 (MANE Select); the canonical splice donor site of the intron after coding-DNA position 46304 through 5 bases into the intron after coding-DNA position 46304, 4 bases deleted (TAAG; older notation c.46304+2_46304+5delTAAG).
Molecular consequence: splice donor variant.
Genome position (GRCh38, 1-based): chr2:178,620,212-178,620,215, CTTA deleted on the plus strand (TAAG on the coding strand, the reverse complement: TTN is on the minus strand); deleting any 4 consecutive bases within chr2:178,620,212-178,620,218 gives the same sequence; the c. name uses the placement nearest the transcript's 3' end. VCF-style (leftmost placement, unchanged base first): chr2-178620211-GCTTA-G. GRCh37 (hg19) VCF-style: chr2-179484938-GCTTA-G.
Other names: c.19109+2_19109+5del (NM_003319.4); c.19685+2_19685+5del (NM_133437.4); c.19484+2_19484+5del (NM_133432.3); c.38600+2_38600+5del (NM_133378.4); c.41381+2_41381+5del (NM_001256850.1).
Identifiers: ClinVar variation 3600534 (VCV003600534.1).

ClinVar aggregate classification (germline): Likely pathogenic (1 of 4 stars; one submission).

Conditions:
Dilated cardiomyopathy 1G (CMD1G). Identifiers: Orphanet 154, MedGen C1858763, MONDO:0011400, OMIM 604145.

Submission:

Clinical Genomics Laboratory, Washington University in St. Louis
Classification: Likely pathogenic for Dilated cardiomyopathy 1G. Last evaluated: 2024-09-09. Review status: criteria provided, single submitter. Criteria: ACMG Guidelines, 2015. Collection method: clinical testing. Allele origin: germline. Affected: yes.
Comment: The TTN c.46304+2_46304+5del variant, to our knowledge, has not been reported in the medical literature and is absent from the general population (gnomAD v.2.1.1), indicating it is not a common variant. This variant occurs within the canonical splice donor site, which is predicted to cause skipping of the exon, leading to an out of frame transcript. This exon occurs in the I-band of the titin protein and is constitutively expressed in TTN transcripts. Truncating variants in the A-band of titin are the most common cause of DCM, but regardless of their position, truncating variants encoded in constitutive exons have been found to be significantly associated with DCM (Herman DS et al., PMID: 22335739; Roberts AM et al., PMID: 25589632; Schafer S et al., PMID: 27869827). Additionally, other truncating variants in this exon have been described in individuals with DCM (Herman DS et al. PMID: 22335739; Pugh TJ et al., PMID: 24503780; Roberts AM et al. PMID: 25589632). Based on available information and the ACMG/AMP guidelines for variant interpretation (Richards S et al., PMID: 25741868), this variant is classified as likely pathogenic.